The following is an entry in ClinVar:

NM_006225.4(PLCD1):c.895G>A (p.Gly299Ser)

Gene: PLCD1 (phospholipase C delta 1; minus strand). Cytogenetic location: 3p22.2.
Variant type: single nucleotide variant.
Coding change: c.895G>A on transcript NM_006225.4 (MANE Select); coding-DNA position 895, G replaced by A.
Protein change: p.Gly299Ser; replaces glycine 299 with serine.
Molecular consequence: missense variant. On other transcripts: non-coding transcript variant (1).
Genome position (GRCh38, 1-based): chr3:38,010,458, C>T on the plus strand (G>A on the coding strand, the complement: PLCD1 is on the minus strand). VCF-style: chr3-38010458-C-T. GRCh37 (hg19) VCF-style: chr3-38051949-C-T.
Other names: c.958G>A, p.Gly320Ser (NM_001130964.2); short protein forms G320S, G299S.
Identifiers: ClinVar variation 785039 (VCV000785039.5), dbSNP rs9837637, ClinGen allele CA2313220.

ClinVar aggregate classification (germline): Benign. Review status: criteria provided, single submitter (1 of 4 stars). 2 submissions from 2 submitters: Benign (1). 1 of the submissions does not count toward it. Last evaluated 2018-12-13.

Conditions:
PLCD1-related disorder. Also called: PLCD1-related condition.

Allele frequency attached by ClinVar (database versions not stated): gnomAD exomes 0.00035 and 0.00091; ExAC 0.00127; ESP Exome Variant Server 0.00377; gnomAD 0.00395 and 0.00416; TOPMed 0.00434; 1000 Genomes Project 0.00719; 1000 Genomes Project 30x 0.00828.
gnomAD v4.1: 1,125 of 1,614,162 alleles (0.07%); highest among the groups gnomAD compares: African/African-American, 1.4%; 8 homozygotes.

Submissions (2):

Labcorp Genetics (formerly Invitae), Labcorp
Classification: Benign. Last evaluated: 2018-12-13. Review status: criteria provided, single submitter. Criteria: Invitae Variant Classification Sherloc (09022015). Collection method: clinical testing. Allele origin: germline.

PreventionGenetics, part of Exact Sciences
Classification: Benign for PLCD1-related condition. Last evaluated: 2019-07-12. Review status: no assertion criteria provided. Collection method: clinical testing. Allele origin: germline. Not counted in ClinVar's aggregate classification.
Comment: This variant is classified as benign based on ACMG/AMP sequence variant interpretation guidelines (Richards et al. 2015 PMID: 25741868, with internal and published modifications).